The following is an entry in ClinVar:

ClinVar aggregate classification (germline): Uncertain significance (1 of 4 stars; one submission).

Conditions:
CHARGE syndrome (CHARGE). Also called: Hittner Hirsch Kreh syndrome; CHARGE ASSOCIATION--COLOBOMA, HEART ANOMALY, CHOANAL ATRESIA, RETARDATION, GENITAL AND EAR ANOMALIES; Coloboma, heart anomaly, choanal atresia, retardation, genital and ear anomalies; CHARGE association; Hall-Hittner syndrome. Identifiers: Orphanet 138, MedGen C0265354, MONDO:0008965.

gnomAD v4.1: 1 of 1,613,974 alleles (0.000062%); highest among the groups gnomAD compares: Middle Eastern, 0.016%; no homozygotes.

Submission:

Labcorp Genetics (formerly Invitae), Labcorp
Classification: Uncertain significance for CHARGE syndrome. Last evaluated: 2022-08-23. Review status: criteria provided, single submitter. Criteria: Invitae Variant Classification Sherloc (09022015). Collection method: clinical testing. Allele origin: germline.
Comment: This variant has not been reported in the literature in individuals affected with CHD7-related conditions. This variant is not present in population databases (gnomAD no frequency). This sequence change replaces threonine, which is neutral and polar, with proline, which is neutral and non-polar, at codon 298 of the CHD7 protein (p.Thr298Pro). Advanced modeling of protein sequence and biophysical properties (such as structural, functional, and spatial information, amino acid conservation, physicochemical variation, residue mobility, and thermodynamic stability) performed at Invitae indicates that this missense variant is not expected to disrupt CHD7 protein function. In summary, the available evidence is currently insufficient to determine the role of this variant in disease. Therefore, it has been classified as a Variant of Uncertain Significance.

NM_017780.4(CHD7):c.892A>C (p.Thr298Pro)

Gene: CHD7 (chromodomain helicase DNA binding protein 7; plus strand). Cytogenetic location: 8q12.2.
Variant type: single nucleotide variant.
Coding change: c.892A>C on transcript NM_017780.4 (MANE Select); coding-DNA position 892, A replaced by C.
Protein change: p.Thr298Pro; replaces threonine 298 with proline.
Molecular consequence: missense variant.
Genome position (GRCh38, 1-based): chr8:60,742,324, A>C. VCF-style: chr8-60742324-A-C. GRCh37 (hg19) VCF-style: chr8-61654883-A-C.
Other names: c.892A>C, p.Thr298Pro (NM_001316690.1); short protein forms T298P.
Identifiers: ClinVar variation 1925290 (VCV001925290.5), dbSNP rs886063033, ClinGen allele CA371299933.